The following is an entry in ClinVar:

NM_001098511.3(KIF2A):c.558+4C>T

Gene: KIF2A (kinesin family member 2A; plus strand). Cytogenetic location: 5q12.1.
Variant type: single nucleotide variant.
Coding change: c.558+4C>T on transcript NM_001098511.3 (MANE Select); 4 bases into the intron after coding-DNA position 558, C replaced by T.
Molecular consequence: intron variant.
Genome position (GRCh38, 1-based): chr5:62,353,379, C>T. VCF-style: chr5-62353379-C-T. GRCh37 (hg19) VCF-style: chr5-61649206-C-T.
Other names: c.477+4C>T (NM_001243952.2); c.558+4C>T (NM_004520.5); c.501+4C>T (NM_001243953.2).
Identifiers: ClinVar variation 1437862 (VCV001437862.28), dbSNP rs151192663, ClinGen allele CA3278795.

ClinVar aggregate classification (germline): Benign/Likely benign. Review status: criteria provided, multiple submitters, no conflicts (2 of 4 stars). 2 submissions from 2 submitters: Benign (1); Likely benign (1). Last evaluated 2025-08-29.

Allele frequency attached by ClinVar (database versions not stated): TOPMed 0.00003; gnomAD exomes 0.00004; gnomAD 0.00006 and 0.00007; ExAC 0.00008; ESP Exome Variant Server 0.00015; 1000 Genomes Project 30x 0.00016; 1000 Genomes Project 0.00020.
gnomAD v4.1: 93 of 1,476,754 alleles (0.0063%); highest among the groups gnomAD compares: African/African-American, 0.016%; no homozygotes.

Submissions (2):

Labcorp Genetics (formerly Invitae), Labcorp
Classification: Benign. Last evaluated: 2025-08-29. Review status: criteria provided, single submitter. Criteria: Invitae Variant Classification Sherloc (09022015). Collection method: clinical testing. Allele origin: germline.

CeGaT Center for Human Genetics Tuebingen
Classification: Likely benign. Last evaluated: 2024-01-01. Review status: criteria provided, single submitter. Criteria: CeGaT Center For Human Genetics Tuebingen Variant Classification Criteria Version 2. Collection method: clinical testing. Allele origin: germline. Affected: yes. Observed: 1 variant allele.
Comment: KIF2A: BP4, BS2